The following is an entry in ClinVar:

NM_005334.3(HCFC1):c.4195G>A (p.Val1399Ile)

Gene: HCFC1 (host cell factor C1; minus strand). Cytogenetic location: Xq28.
Variant type: single nucleotide variant.
Coding change: c.4195G>A on transcript NM_005334.3 (MANE Select); coding-DNA position 4195, G replaced by A.
Protein change: p.Val1399Ile; replaces valine 1399 with isoleucine.
Molecular consequence: missense variant.
Genome position (GRCh38, 1-based): chrX:153,954,204, C>T on the plus strand (G>A on the coding strand, the complement: HCFC1 is on the minus strand). VCF-style: chrX-153954204-C-T. GRCh37 (hg19) VCF-style: chrX-153219655-C-T.
Other names: short protein forms V1399I.
Identifiers: ClinVar variation 1164844 (VCV001164844.11), dbSNP rs371594842, ClinGen allele CA10557055.

ClinVar aggregate classification (germline): Benign/Likely benign. Review status: criteria provided, multiple submitters, no conflicts (2 of 4 stars). 3 submissions from 3 submitters: Benign (1); Likely benign (2). Last evaluated 2026-09-01.

Conditions:
Methylmalonic acidemia with homocystinuria, type cblX (MAHCX). Also called: INTELLECTUAL DEVELOPMENTAL DISORDER, X-LINKED 3. Identifiers: Orphanet 369962, MedGen C0796208, MONDO:0010657, OMIM 309541.

Allele frequency attached by ClinVar (database versions not stated): gnomAD 0.00001 and 0.00007; TOPMed 0.00002; gnomAD exomes 0.00015 and 0.00038; ExAC 0.00041; 1000 Genomes Project 0.00079; 1000 Genomes Project 30x 0.00104.
gnomAD v4.1: 182 of 1,204,165 alleles (0.015%); highest among the groups gnomAD compares: South Asian, 0.27%; no homozygotes.

Submissions (3):

CeGaT Center for Human Genetics Tuebingen
Classification: Likely benign. Last evaluated: 2026-09-01. Review status: criteria provided, single submitter. Criteria: CeGaT Center For Human Genetics Tuebingen Variant Classification Criteria Version 2. Collection method: clinical testing. Allele origin: germline. Affected: yes. Observed: 1 variant allele.
Comment: HCFC1: BP4, BS2

Labcorp Genetics (formerly Invitae), Labcorp
Classification: Benign for Methylmalonic acidemia with homocystinuria, type cblX. Last evaluated: 2026-01-12. Review status: criteria provided, single submitter. Criteria: Invitae Variant Classification Sherloc (09022015). Collection method: clinical testing. Allele origin: germline.

Blueprint Genetics
Classification: Likely benign. Last evaluated: 2024-11-18. Review status: criteria provided, single submitter. Criteria: ACMG Guidelines, 2015. Collection method: clinical testing. Allele origin: germline.